The following is an entry in ClinVar:

NM_006514.4(SCN10A):c.4436A>C (p.Asp1479Ala)

Gene: SCN10A (sodium voltage-gated channel alpha subunit 10; minus strand). Cytogenetic location: 3p22.2.
Variant type: single nucleotide variant.
Coding change: c.4436A>C on transcript NM_006514.4 (MANE Select); coding-DNA position 4436, A replaced by C.
Protein change: p.Asp1479Ala; replaces aspartic acid 1479 with alanine.
Molecular consequence: missense variant.
Genome position (GRCh38, 1-based): chr3:38,702,060, T>G on the plus strand (A>C on the coding strand, the complement: SCN10A is on the minus strand). VCF-style: chr3-38702060-T-G. GRCh37 (hg19) VCF-style: chr3-38743551-T-G.
Other names: c.4433A>C, p.Asp1478Ala (NM_001293306.2); c.4142A>C, p.Asp1381Ala (NM_001293307.2); short protein forms D1478A, D1381A, D1479A.
Identifiers: ClinVar variation 4700300 (VCV004700300.1).
Genomic context (GRCh38, chr3:38,702,060, plus strand): 5'-TCATCAGTCTCCACCATCATGGTGATCATGTTGAGGCAGATGAGGACCATGATGGTGATG[T>G]CAAAAGCTTGTCTGGTCACGATGTCAAAGACAAAACCCTGGAACTTGTTCTGAGAAAACA-3'
Protein context (NP_006505.4, residues 1469-1489): VFDIVTRQAF[Asp1479Ala]ITIMVLICLN

ClinVar aggregate classification (germline): Uncertain significance (1 of 4 stars; one submission).

Conditions:
Brugada syndrome. Also called: Sudden unexpected nocturnal death syndrome; Sudden Unexplained Death Syndrome; Sudden Unexplained Nocturnal Death Syndrome (SUNDS); Sudden unexplained nocturnal death syndrome. Identifiers: Orphanet 130, MedGen C1142166, MONDO:0015263.

gnomAD v4.1: 1 of 1,591,198 alleles (0.000063%); highest among the groups gnomAD compares: Admixed American, 0.0018%; no homozygotes.

Submission:

Labcorp Genetics (formerly Invitae), Labcorp
Classification: Uncertain significance for Brugada syndrome. Last evaluated: 2025-05-16. Review status: criteria provided, single submitter. Criteria: Invitae Variant Classification Sherloc (09022015). Collection method: clinical testing. Allele origin: germline.
Comment: This sequence change replaces aspartic acid, which is acidic and polar, with alanine, which is neutral and non-polar, at codon 1479 of the SCN10A protein (p.Asp1479Ala). This variant is not present in population databases (gnomAD no frequency). This variant has not been reported in the literature in individuals affected with SCN10A-related conditions. Invitae Evidence Modeling of protein sequence and biophysical properties (such as structural, functional, and spatial information, amino acid conservation, physicochemical variation, residue mobility, and thermodynamic stability) indicates that this missense variant is expected to disrupt SCN10A protein function with a positive predictive value of 80%. In summary, the available evidence is currently insufficient to determine the role of this variant in disease. Therefore, it has been classified as a Variant of Uncertain Significance.